The following is an entry in ClinVar:

ClinVar aggregate classification (germline): Uncertain significance (1 of 4 stars; one submission).

Conditions:
SETX-related disorder. Also called: SETX-related disorders; SETX-related condition. Identifiers: MedGen CN239403.

gnomAD v4.1: 4 of 1,614,108 alleles (0.00025%); highest among the groups gnomAD compares: African/African-American, 0.0027%; no homozygotes.

Submission:

PreventionGenetics, part of Exact Sciences
Classification: Uncertain significance for SETX-related condition. Last evaluated: 2026-07-14. Review status: criteria provided, single submitter. Criteria: ACMG Guidelines, 2015. Collection method: clinical testing. Allele origin: germline.
Comment: The SETX c.1529A>G variant is predicted to result in the amino acid substitution p.Asn510Ser. To our knowledge, this variant has not been reported in the literature. This variant is reported in 0.011% of alleles in individuals of African descent in gnomAD. At this time, the clinical significance of this variant is uncertain due to the absence of conclusive functional and genetic evidence.

NM_015046.7(SETX):c.1529A>G (p.Asn510Ser)

Gene: SETX (senataxin; minus strand). Cytogenetic location: 9q34.13.
Variant type: single nucleotide variant.
Coding change: c.1529A>G on transcript NM_015046.7 (MANE Select); coding-DNA position 1529, A replaced by G.
Protein change: p.Asn510Ser; replaces asparagine 510 with serine.
Molecular consequence: missense variant.
Genome position (GRCh38, 1-based): chr9:132,330,069, T>C on the plus strand (A>G on the coding strand, the complement: SETX is on the minus strand). VCF-style: chr9-132330069-T-C. GRCh37 (hg19) VCF-style: chr9-135205456-T-C.
Other names: c.1529A>G, p.Asn510Ser (NM_001351527.2, NM_001351528.2); short protein forms N510S.
Identifiers: ClinVar variation 4983935 (VCV004983935.1).